The following is an entry in ClinVar:

ClinVar aggregate classification (germline): Uncertain significance. Review status: criteria provided, multiple submitters, no conflicts (2 of 4 stars). 2 submissions from 2 submitters: Uncertain significance (2). Last evaluated 2025-12-09.

Conditions:
Congenital contractural arachnodactyly (CCA). Also called: BEALS SYNDROME; Beals-Hecht syndrome; Arthrogryposis, distal, type 9. Identifiers: Orphanet 115, MedGen C0220668, MONDO:0007363, OMIM 121050.
Familial thoracic aortic aneurysm and aortic dissection (TAAD). Also called: Thoracic aortic aneurysms and dissections. Identifiers: Orphanet 91387, MedGen C4707243, MONDO:0019625.

Allele frequency attached by ClinVar (database versions not stated): TOPMed below 0.00001; gnomAD 0.00001; gnomAD exomes 0.00001.

Submissions (2):

Labcorp Genetics (formerly Invitae), Labcorp
Classification: Uncertain significance for Congenital contractural arachnodactyly. Last evaluated: 2025-12-09. Review status: criteria provided, single submitter. Criteria: Invitae Variant Classification Sherloc (09022015). Collection method: clinical testing. Allele origin: germline.
Comment: This sequence change replaces proline, which is neutral and non-polar, with threonine, which is neutral and polar, at codon 2823 of the FBN2 protein (p.Pro2823Thr). This variant is present in population databases (no rsID available, gnomAD 0.0009%). This variant has not been reported in the literature in individuals affected with FBN2-related conditions. ClinVar contains an entry for this variant (Variation ID: 2187505). Invitae Evidence Modeling of protein sequence and biophysical properties (such as structural, functional, and spatial information, amino acid conservation, physicochemical variation, residue mobility, and thermodynamic stability) has been performed for this missense variant. However, the output from this modeling did not meet the statistical confidence thresholds required to predict the impact of this variant on FBN2 protein function. In summary, the available evidence is currently insufficient to determine the role of this variant in disease. Therefore, it has been classified as a Variant of Uncertain Significance.

Ambry Genetics
Classification: Uncertain significance for Familial thoracic aortic aneurysm and aortic dissection. Last evaluated: 2025-05-20. Review status: criteria provided, single submitter. Criteria: Ambry Variant Classification Scheme 2023. Collection method: clinical testing. Allele origin: germline.
Comment: The p.P2823T variant (also known as c.8467C>A), located in coding exon 65 of the FBN2 gene, results from a C to A substitution at nucleotide position 8467. The proline at codon 2823 is replaced by threonine, an amino acid with highly similar properties. This amino acid position is highly conserved in available vertebrate species. In addition, the in silico prediction for this alteration is inconclusive. Based on the available evidence, the clinical significance of this variant remains unclear.

NM_001999.4(FBN2):c.8467C>A (p.Pro2823Thr)

Gene: FBN2 (fibrillin 2; minus strand). Cytogenetic location: 5q23.3.
Variant type: single nucleotide variant.
Coding change: c.8467C>A on transcript NM_001999.4 (MANE Select); coding-DNA position 8467, C replaced by A.
Protein change: p.Pro2823Thr; replaces proline 2823 with threonine.
Molecular consequence: missense variant.
Genome position (GRCh38, 1-based): chr5:128,259,727, G>T on the plus strand (C>A on the coding strand, the complement: FBN2 is on the minus strand). VCF-style: chr5-128259727-G-T. GRCh37 (hg19) VCF-style: chr5-127595419-G-T.
Other names: c.8467C>A (NM_001999.3); short protein forms P2823T.
Identifiers: ClinVar variation 2187505 (VCV002187505.5), dbSNP rs1367858238, ClinGen allele CA360745767.